The following is an entry in ClinVar:

ClinVar aggregate classification (germline): Uncertain significance (1 of 4 stars; one submission).

Submission:

Labcorp Genetics (formerly Invitae), Labcorp
Classification: Uncertain significance. Last evaluated: 2024-10-29. Review status: criteria provided, single submitter. Criteria: Invitae Variant Classification Sherloc (09022015). Collection method: clinical testing. Allele origin: germline.
Comment: This sequence change replaces proline, which is neutral and non-polar, with arginine, which is basic and polar, at codon 632 of the CDH2 protein (p.Pro632Arg). This variant is not present in population databases (gnomAD no frequency). This variant has not been reported in the literature in individuals affected with CDH2-related conditions. ClinVar contains an entry for this variant (Variation ID: 2105619). An algorithm developed to predict the effect of missense changes on protein structure and function (PolyPhen-2) suggests that this variant is likely to be disruptive. In summary, the available evidence is currently insufficient to determine the role of this variant in disease. Therefore, it has been classified as a Variant of Uncertain Significance.

NM_001792.5(CDH2):c.1895C>G (p.Pro632Arg)

Gene: CDH2 (cadherin 2; minus strand). Cytogenetic location: 18q12.1.
Variant type: single nucleotide variant.
Coding change: c.1895C>G on transcript NM_001792.5 (MANE Select); coding-DNA position 1895, C replaced by G.
Protein change: p.Pro632Arg; replaces proline 632 with arginine.
Molecular consequence: missense variant.
Genome position (GRCh38, 1-based): chr18:27,985,608, G>C on the plus strand (C>G on the coding strand, the complement: CDH2 is on the minus strand). VCF-style: chr18-27985608-G-C. GRCh37 (hg19) VCF-style: chr18-25565572-G-C.
Other names: c.1802C>G, p.Pro601Arg (NM_001308176.2); short protein forms P632R, P601R.
Identifiers: ClinVar variation 2105619 (VCV002105619.4), dbSNP rs2510793107, ClinGen allele CA402107329.